The following is an entry in ClinVar:

NM_000051.4(ATM):c.4073G>C (p.Ser1358Thr)

Gene: ATM (ATM serine/threonine kinase; plus strand). Cytogenetic location: 11q22.3.
Variant type: single nucleotide variant.
Coding change: c.4073G>C on transcript NM_000051.4 (MANE Select); coding-DNA position 4073, G replaced by C.
Protein change: p.Ser1358Thr; replaces serine 1358 with threonine.
Molecular consequence: missense variant.
Genome position (GRCh38, 1-based): chr11:108,287,679, G>C. VCF-style: chr11-108287679-G-C. GRCh37 (hg19) VCF-style: chr11-108158406-G-C.
Other names: c.4073G>C, p.Ser1358Thr (NM_001351834.2); c.4073G>C (NM_000051.3); short protein forms S1358T.
Identifiers: ClinVar variation 1352283 (VCV001352283.7), dbSNP rs2135737014, ClinGen allele CA382528215.

ClinVar aggregate classification (germline): Uncertain significance. Review status: criteria provided, multiple submitters, no conflicts (2 of 4 stars). 2 submissions from 2 submitters: Uncertain significance (2). Last evaluated 2024-01-19.

Conditions:
Hereditary cancer-predisposing syndrome. Also called: Hereditary Cancer Syndrome; Neoplastic Syndromes, Hereditary; Tumor predisposition; Hereditary neoplastic syndrome. Identifiers: Orphanet 140162, MedGen C0027672, MeSH D009386, MONDO:0015356.
Ataxia-telangiectasia syndrome (AT). Also called: Ataxia-telangiectasia, complementation group D; ATAXIA-TELANGIECTASIA, COMPLEMENTATION GROUP A; ATAXIA-TELANGIECTASIA, FRESNO VARIANT; Ataxia-telangiectasia, complementation group E; Cerebello-oculocutaneous telangiectasia; Immunodeficiency with ataxia telangiectasia. Identifiers: Orphanet 100, MedGen C0004135, MONDO:0008840, OMIM 208900.

Submissions (2):

Ambry Genetics
Classification: Uncertain significance for Hereditary cancer-predisposing syndrome. Last evaluated: 2024-01-19. Review status: criteria provided, single submitter. Criteria: Ambry Variant Classification Scheme 2023. Collection method: clinical testing. Allele origin: germline.
Comment: The p.S1358T variant (also known as c.4073G>C), located in coding exon 26 of the ATM gene, results from a G to C substitution at nucleotide position 4073. The serine at codon 1358 is replaced by threonine, an amino acid with similar properties. This amino acid position is conserved. In addition, this alteration is predicted to be tolerated by in silico analysis. Based on the available evidence, the clinical significance of this alteration remains unclear.

Labcorp Genetics (formerly Invitae), Labcorp
Classification: Uncertain significance for Ataxia-telangiectasia syndrome. Last evaluated: 2021-12-02. Review status: criteria provided, single submitter. Criteria: Invitae Variant Classification Sherloc (09022015). Collection method: clinical testing. Allele origin: germline.
Comment: This sequence change replaces serine, which is neutral and polar, with threonine, which is neutral and polar, at codon 1358 of the ATM protein (p.Ser1358Thr). In summary, the available evidence is currently insufficient to determine the role of this variant in disease. Therefore, it has been classified as a Variant of Uncertain Significance. Advanced modeling of protein sequence and biophysical properties (such as structural, functional, and spatial information, amino acid conservation, physicochemical variation, residue mobility, and thermodynamic stability) performed at Invitae indicates that this missense variant is not expected to disrupt ATM protein function. This variant has not been reported in the literature in individuals affected with ATM-related conditions. This variant is not present in population databases (gnomAD no frequency).